The following is an entry in ClinVar:

NM_006129.5(BMP1):c.388_389dup (p.Trp130fs)

Gene: BMP1 (bone morphogenetic protein 1; plus strand). Cytogenetic location: 8p21.3.
Variant type: Microsatellite.
Coding change: c.388_389dup on transcript NM_006129.5 (MANE Select); coding-DNA positions 388 to 389, 2 bases duplicated (TG; older notation c.388_389dupTG).
Protein change: p.Trp130fs; shifts the reading frame from tryptophan 130.
Molecular consequence: frameshift variant. On other transcripts: non-coding transcript variant (2).
Genome position (GRCh38, 1-based): chr8:22,176,268-22,176,269, TG duplicated; duplicating any 2 consecutive bases within chr8:22,176,263-22,176,269 gives the same sequence; the c. name uses the placement nearest the transcript's 3' end. VCF-style (leftmost placement, unchanged base first): chr8-22176262-C-CGT. GRCh37 (hg19) VCF-style: chr8-22033775-C-CGT.
Other names: c.388_389dup, p.Trp130fs (NM_001199.4); short protein forms W130fs.
Identifiers: ClinVar variation 2815049 (VCV002815049.3), dbSNP rs2538976145, ClinGen allele CA2739280057.
Genomic context (GRCh38, chr8:22,176,262, plus strand): 5'-GCCTGTGGGAGATGGAGAGGTAGATCCCGTAGCCGGCGGGCGGCGACGTCCCGACCAGAG[C>CGT]GTGTGTGGCCCGATGGGGTCATCCCCTTTGTCATTGGGGGAAACTTCACTGGTGAGCGTG-3'

ClinVar aggregate classification (germline): Pathogenic (1 of 4 stars; one submission).

Submission:

Labcorp Genetics (formerly Invitae), Labcorp
Classification: Pathogenic. Last evaluated: 2022-11-18. Review status: criteria provided, single submitter. Criteria: Invitae Variant Classification Sherloc (09022015). Collection method: clinical testing. Allele origin: germline.
Comment: This variant is not present in population databases (gnomAD no frequency). This variant has not been reported in the literature in individuals affected with BMP1-related conditions. For these reasons, this variant has been classified as Pathogenic. This sequence change creates a premature translational stop signal (p.Trp130Cysfs*27) in the BMP1 gene. It is expected to result in an absent or disrupted protein product. Loss-of-function variants in BMP1 are known to be pathogenic (PMID: 25656619, 27576954, 28257626).

Literature cited by the submitters: PubMed 25656619; PubMed 27576954; PubMed 28257626.